The following is an entry in ClinVar:

ClinVar aggregate classification (germline): Conflicting classifications of pathogenicity. Review status: criteria provided, conflicting classifications (1 of 4 stars). 2 submissions from 2 submitters: Pathogenic (1); Uncertain significance (1). Last evaluated 2025-09-03.

Conditions:
Hereditary cancer-predisposing syndrome. Also called: Tumor predisposition; Neoplastic Syndromes, Hereditary; Hereditary neoplastic syndrome; Hereditary Cancer Syndrome. Identifiers: Orphanet 140162, MedGen C0027672, MeSH D009386, MONDO:0015356.

Submissions (2):

Ambry Genetics
Classification: Pathogenic for Hereditary cancer-predisposing syndrome. Last evaluated: 2025-09-03. Review status: criteria provided, single submitter. Criteria: Ambry Variant Classification Scheme 2023. Collection method: clinical testing. Allele origin: germline.
Comment: The c.9117G>C pathogenic mutation (also known as p.P3039P), located in coding exon 22 of the BRCA2 gene, results from a G to C substitution at nucleotide position 9117. This nucleotide substitution does not change the proline at codon 3039. However, this change occurs in the last base pair of coding exon 22, which makes it likely to have some effect on normal mRNA splicing. This nucleotide position is well conserved in available vertebrate species. In silico splice site analysis predicts that this alteration will weaken the native splice donor site. RNA studies have demonstrated that this alteration results in abnormal splicing in the set of samples tested (Ambry internal data). A saturation genome editing-based study using a haploid cell-survival assay demonstrates that this nucleotide substitution is non-functional (Huang H et al. Nature. 2025 Feb;638(8050):528-537). This variant is considered to be rare based on population cohorts in the Genome Aggregation Database (gnomAD). Based on the supporting evidence, this variant is interpreted as a disease-causing mutation.

Women's Health and Genetics/Laboratory Corporation of America, LabCorp
Classification: Uncertain significance. Last evaluated: 2017-09-11. Review status: criteria provided, single submitter. Criteria: LabCorp Variant Classification Summary - May 2015. Collection method: clinical testing. Allele origin: germline.
Comment: Variant summary: The BRCA2 c.9117G>C (p.Pro3039Pro) variant involves the alteration of a conserved nucleotide located in the last position of exon 23, resulting in a synonymous change. Mutation taster predicts a damaging outcome for this variant. 3/5 splice prediction tools predict the complete loss of a canonical 5' splice donor site. However, these predictions have yet to be confirmed by functional studies. Two variants in the same nucleotide position (c.9117G>A and c.9117G>T) leads to the same synonymous change, and have been reported by various databases/clinical labs as pathogenic. The variant c.9117G>A is known to cause skipping of exon 23. Therefore, the same functional outcome could also be expected for this variant of interest. This variant of interest is absent in 115678 control chromosomes from ExAC and has not, to our knowledge, been reported in affected individuals via publications and/or reputable databases/clinical diagnostic laboratories. This variant has been classified as a VUS - possibly pathogenic until additional information becomes available.

NM_000059.4(BRCA2):c.9117G>C (p.Pro3039=)

Gene: BRCA2 (BRCA2 DNA repair associated; plus strand). Cytogenetic location: 13q13.1.
Variant type: single nucleotide variant.
Coding change: c.9117G>C on transcript NM_000059.4 (MANE Select); coding-DNA position 9117, G replaced by C.
Protein change: p.Pro3039=; no amino-acid change (proline 3039 retained).
Molecular consequence: synonymous variant.
Genome position (GRCh38, 1-based): chr13:32,379,913, G>C. VCF-style: chr13-32379913-G-C. GRCh37 (hg19) VCF-style: chr13-32954050-G-C.
Identifiers: ClinVar variation 632708 (VCV000632708.3), dbSNP rs28897756, ClinGen allele CA483439898.
Genomic context (GRCh38, chr13:32,379,913, plus strand): 5'-ATCTGAAAGAGCTAACATACAGTTAGCAGCGACAAAAAAAACTCAGTATCAACAACTACC[G>C]GTACAAACCTTTCATTGTAATTTTTCAGTTTTGATAAGTGCTTGTTAGTTTATGGAATCT-3'
Protein context (NP_000050.3, residues 3029-3049): ATKKTQYQQL[Pro3039=]VSDEILFQIY